The following is an entry in ClinVar:

NM_004006.3(DMD):c.5741A>G (p.Glu1914Gly)

Gene: DMD (dystrophin; minus strand). Cytogenetic location: Xp21.1.
Variant type: single nucleotide variant.
Coding change: c.5741A>G on transcript NM_004006.3 (MANE Select); coding-DNA position 5741, A replaced by G.
Protein change: p.Glu1914Gly; replaces glutamic acid 1914 with glycine.
Molecular consequence: missense variant.
Genome position (GRCh38, 1-based): chrX:32,342,281, T>C on the plus strand (A>G on the coding strand, the complement: DMD is on the minus strand). VCF-style: chrX-32342281-T-C. GRCh37 (hg19) VCF-style: chrX-32360398-T-C.
Other names: c.5717A>G, p.Glu1906Gly (NM_000109.4); c.5729A>G, p.Glu1910Gly (NM_004009.3); c.5372A>G, p.Glu1791Gly (NM_004010.3); c.1718A>G, p.Glu573Gly (NM_004011.4); c.1709A>G, p.Glu570Gly (NM_004012.4); short protein forms E1914G, E1906G, E1910G, E570G, E1791G, E573G.
Identifiers: ClinVar variation 368241 (VCV000368241.8), dbSNP rs985546923, ClinGen allele CA10653897.
Genomic context (GRCh38, chrX:32,342,281, plus strand): 5'-TCAGCTTGCCTACGCACTGCATTCAGCTCCTCTTTCTTCTTCTGCAATTCCCGATCAATT[T>C]CCTATTGAGCAAAACCAATACAGGGCCCAGGGCAGTTAGCTAACCACATCAACCGACTTG-3'
Protein context (NP_003997.2, residues 1904-1924): PEPRDERKIK[Glu1914Gly]IDRELQKKKE

ClinVar aggregate classification (germline): Uncertain significance. Review status: criteria provided, multiple submitters, no conflicts (2 of 4 stars). 3 submissions from 3 submitters: Uncertain significance (3). Last evaluated 2025-01-21.

Conditions:
Becker muscular dystrophy (BMD). Also called: MUSCULAR DYSTROPHY, PSEUDOHYPERTROPHIC PROGRESSIVE, BECKER TYPE; Becker Muscular Dystrophy (BMD). Identifiers: Orphanet 98895, MedGen C0917713, MONDO:0010311, OMIM 300376.
Duchenne muscular dystrophy (DMD). Also called: MUSCULAR DYSTROPHY, PSEUDOHYPERTROPHIC PROGRESSIVE, DUCHENNE TYPE; Duchenne Muscular Dystrophy (DMD). Identifiers: Orphanet 98896, MedGen C0013264, MONDO:0010679, OMIM 310200.
Dilated cardiomyopathy 3B (CMD3B). Also called: CMD3B: DMD-Related Dilated Cardiomyopathy; CARDIOMYOPATHY, DILATED, X-LINKED; DMD-Associated Dilated Cardiomyopathy. Identifiers: Orphanet 154, MedGen C3668940, MONDO:0010542, OMIM 302045.

Allele frequency attached by ClinVar (database versions not stated): gnomAD exomes below 0.00001; gnomAD 0.00001; TOPMed 0.00001.
gnomAD v4.1: 5 of 1,209,321 alleles (0.00041%); highest among the groups gnomAD compares: Non-Finnish European, 0.00056%; no homozygotes.

Submissions (3):

Labcorp Genetics (formerly Invitae), Labcorp
Classification: Uncertain significance for Duchenne muscular dystrophy. Last evaluated: 2025-01-21. Review status: criteria provided, single submitter. Criteria: Invitae Variant Classification Sherloc (09022015). Collection method: clinical testing. Allele origin: germline.
Comment: This sequence change replaces glutamic acid, which is acidic and polar, with glycine, which is neutral and non-polar, at codon 1914 of the DMD protein (p.Glu1914Gly). This variant is not present in population databases (gnomAD no frequency). This variant has not been reported in the literature in individuals affected with DMD-related conditions. ClinVar contains an entry for this variant (Variation ID: 368241). An algorithm developed to predict the effect of missense changes on protein structure and function (PolyPhen-2) suggests that this variant is likely to be disruptive. In summary, the available evidence is currently insufficient to determine the role of this variant in disease. Therefore, it has been classified as a Variant of Uncertain Significance.

Fulgent Genetics
Classification: Uncertain significance for Becker muscular dystrophy; Dilated cardiomyopathy 3B; Duchenne muscular dystrophy. Last evaluated: 2021-10-12. Review status: criteria provided, single submitter. Criteria: ACMG Guidelines, 2015. Collection method: clinical testing. Allele origin: unknown.

Illumina Laboratory Services, Illumina
Classification: Uncertain significance for Dilated cardiomyopathy 3B. Last evaluated: 2018-01-13. Review status: criteria provided, single submitter. Criteria: ICSL Variant Classification Criteria 13 December 2019. Collection method: clinical testing. Allele origin: germline.